The following is an entry in ClinVar:

ClinVar aggregate classification (germline): Uncertain significance (1 of 4 stars; one submission).

Allele frequency attached by ClinVar (database versions not stated): ExAC 0.00001.
gnomAD v4.1: 7 of 1,613,854 alleles (0.00043%); highest among the groups gnomAD compares: South Asian, 0.0055%; no homozygotes.

Submission:

Labcorp Genetics (formerly Invitae), Labcorp
Classification: Uncertain significance. Last evaluated: 2022-08-24. Review status: criteria provided, single submitter. Criteria: Invitae Variant Classification Sherloc (09022015). Collection method: clinical testing. Allele origin: germline.
Comment: This sequence change replaces glutamic acid, which is acidic and polar, with lysine, which is basic and polar, at codon 1244 of the SPTA1 protein (p.Glu1244Lys). This variant is present in population databases (rs761603735, gnomAD 0.003%). This variant has not been reported in the literature in individuals affected with SPTA1-related conditions. Algorithms developed to predict the effect of missense changes on protein structure and function are either unavailable or do not agree on the potential impact of this missense change (SIFT: "Tolerated"; PolyPhen-2: "Possibly Damaging"; Align-GVGD: "Class C15"). In summary, the available evidence is currently insufficient to determine the role of this variant in disease. Therefore, it has been classified as a Variant of Uncertain Significance.

NM_003126.4(SPTA1):c.3730G>A (p.Glu1244Lys)

Gene: SPTA1 (spectrin alpha, erythrocytic 1; minus strand). Cytogenetic location: 1q23.1.
Variant type: single nucleotide variant.
Coding change: c.3730G>A on transcript NM_003126.4 (MANE Select); coding-DNA position 3730, G replaced by A.
Protein change: p.Glu1244Lys; replaces glutamic acid 1244 with lysine.
Molecular consequence: missense variant.
Genome position (GRCh38, 1-based): chr1:158,647,705, C>T on the plus strand (G>A on the coding strand, the complement: SPTA1 is on the minus strand). VCF-style: chr1-158647705-C-T. GRCh37 (hg19) VCF-style: chr1-158617495-C-T.
Other names: short protein forms E1244K.
Identifiers: ClinVar variation 1717945 (VCV001717945.5), dbSNP rs761603735, ClinGen allele CA1182942.
Genomic context (GRCh38, chr1:158,647,705, plus strand): 5'-TCTGTCTCTGCAGGTCCTCAGTGGCATCTGGATGGGACTCACTGAGCCGCTCTGCTGTCT[C>T]CCCCAGTATGGTCACCTGGGGAGGTACAATAGCTCTGATAATCAGCCTAGAGACACACCT-3'
Protein context (NP_003117.2, residues 1234-1254): PLGDKVTILG[Glu1244Lys]TAERLSESHP